The following is an entry in ClinVar:

NM_004863.4(SPTLC2):c.996C>T (p.Ala332=)

Gene: SPTLC2 (serine palmitoyltransferase long chain base subunit 2; minus strand). Cytogenetic location: 14q24.3.
Variant type: single nucleotide variant.
Coding change: c.996C>T on transcript NM_004863.4 (MANE Select); coding-DNA position 996, C replaced by T.
Protein change: p.Ala332=; no amino-acid change (alanine 332 retained).
Molecular consequence: synonymous variant.
Genome position (GRCh38, 1-based): chr14:77,555,480, G>A on the plus strand (C>T on the coding strand, the complement: SPTLC2 is on the minus strand). VCF-style: chr14-77555480-G-A. GRCh37 (hg19) VCF-style: chr14-78021823-G-A.
Identifiers: ClinVar variation 681515 (VCV000681515.8), dbSNP rs757660579, ClinGen allele CA7289299.
Genomic context (GRCh38, chr14:77,555,480, plus strand): 5'-CAGGGCGCCAATGCTGTGAGCCTCATCCAGATACAAGTATGCCTTGTATTTCTTCTTGAG[G>A]GCAATCACTTCAGGAAGACGAACAATAGATCCCTCCATGCTGGCAAAACATGAAAAAATA-3'
Protein context (NP_004854.1, residues 322-342): GSIVRLPEVI[Ala332=]LKKKYKAYLY

ClinVar aggregate classification (germline): Likely benign. Review status: criteria provided, multiple submitters, no conflicts (2 of 4 stars). 2 submissions from 2 submitters: Likely benign (2). Last evaluated 2022-02-07.

Conditions:
Neuropathy, hereditary sensory and autonomic, type 1C. Also called: HSAN IC; HSN IC. Identifiers: Orphanet 36386, MedGen C3150896, MONDO:0013337, OMIM 613640.

Allele frequency attached by ClinVar (database versions not stated): ExAC 0.00001; gnomAD 0.00004; TOPMed 0.00004.
gnomAD v4.1: 9 of 1,613,950 alleles (0.00056%); highest among the groups gnomAD compares: African/African-American, 0.0094%; no homozygotes.

Submissions (2):

Labcorp Genetics (formerly Invitae), Labcorp
Classification: Likely benign for Neuropathy, hereditary sensory and autonomic, type 1C. Last evaluated: 2022-02-07. Review status: criteria provided, single submitter. Criteria: Invitae Variant Classification Sherloc (09022015). Collection method: clinical testing. Allele origin: germline.

GeneDx
Classification: Likely benign. Last evaluated: 2018-04-06. Review status: criteria provided, single submitter. Criteria: GeneDx Variant Classification (06012015). Collection method: clinical testing. Allele origin: germline. Affected: yes.
Comment: This variant is considered likely benign or benign based on one or more of the following criteria: it is a conservative change, it occurs at a poorly conserved position in the protein, it is predicted to be benign by multiple in silico algorithms, and/or has population frequency not consistent with disease.